The following is an entry in ClinVar:

ClinVar aggregate classification (germline): Benign. Review status: criteria provided, multiple submitters, no conflicts (2 of 4 stars). 3 submissions from 2 submitters: Benign (3). Last evaluated 2018-01-13.

Conditions:
Cone-rod dystrophy 11 (CORD11). Identifiers: Orphanet 1872, MedGen C1835865, MONDO:0012483, OMIM 610381.
Age related macular degeneration 6. Identifiers: MedGen C3151060, MONDO:0013406, OMIM 613757.

Allele frequency attached by ClinVar (database versions not stated): gnomAD exomes 0.13800; 1000 Genomes Project 0.16953; 1000 Genomes Project 30x 0.17333; gnomAD 0.20022 and 0.20551; TOPMed 0.20480.

Submissions (3):

Illumina Laboratory Services, Illumina
Classification: Benign for Age related macular degeneration 6. Last evaluated: 2018-01-13. Review status: criteria provided, single submitter. Criteria: ICSL Variant Classification Criteria 13 December 2019. Collection method: clinical testing. Allele origin: germline.
Comment: This variant was observed in the ICSL laboratory as part of a predisposition screen in an ostensibly healthy population. It had not been previously curated by ICSL or reported in the Human Gene Mutation Database (HGMD: prior to June 1st, 2018), and was therefore a candidate for classification through an automated scoring system. Utilizing variant allele frequency, disease prevalence and penetrance estimates, and inheritance mode, an automated score was calculated to assess if this variant is too frequent to cause the disease. Based on the score and internal cut-off values, a variant classified as benign is not then subjected to further curation. The score for this variant resulted in a classification of benign for this disease.

Illumina Laboratory Services, Illumina
Classification: Benign for Cone-rod dystrophy 11. Last evaluated: 2018-01-13. Review status: criteria provided, single submitter. Criteria: ICSL Variant Classification Criteria 13 December 2019. Collection method: clinical testing. Allele origin: germline.
Comment: the same text as in the submission from Illumina Laboratory Services, Illumina above.

Breakthrough Genomics
Classification: Benign. Review status: criteria provided, single submitter. Criteria: ACMG Guidelines, 2015. Collection method: not provided. Allele origin: germline. Inheritance: Autosomal recessive inheritance. Affected: yes.

NM_001319074.4(RAX2):c.*785G>A

Gene: RAX2 (retina and anterior neural fold homeobox 2; minus strand). Cytogenetic location: 19p13.3.
Variant type: single nucleotide variant.
Coding change: c.*785G>A on transcript NM_001319074.4 (MANE Select); 785 bases downstream of the stop codon, G replaced by A.
Molecular consequence: 3 prime UTR variant.
Genome position (GRCh38, 1-based): chr19:3,769,836, C>T on the plus strand (G>A on the coding strand, the complement: RAX2 is on the minus strand). VCF-style: chr19-3769836-C-T. GRCh37 (hg19) VCF-style: chr19-3769834-C-T.
Other names: c.*785G>A (NM_032753.4).
Identifiers: ClinVar variation 328953 (VCV000328953.6), dbSNP rs917546, ClinGen allele CA10642685.